The following is an entry in ClinVar:

ClinVar aggregate classification (germline): Benign/Likely benign. Review status: criteria provided, multiple submitters, no conflicts (2 of 4 stars). 3 submissions from 3 submitters: Benign (1); Likely benign (2). Last evaluated 2024-08-04.

Conditions:
Hereditary cancer-predisposing syndrome. Also called: Tumor predisposition; Hereditary neoplastic syndrome; Neoplastic Syndromes, Hereditary; Hereditary Cancer Syndrome. Identifiers: Orphanet 140162, MedGen C0027672, MeSH D009386, MONDO:0015356.
Familial cancer of breast. Also called: hereditary breast carcinoma; Hereditary breast cancer; BREAST CANCER, FAMILIAL. Identifiers: Orphanet 227535, MedGen C0346153, MONDO:0016419, OMIM 114480. Disease mechanism: loss of function.

Allele frequency attached by ClinVar (database versions not stated): gnomAD exomes 0.00001.
gnomAD v4.1: 7 of 1,614,076 alleles (0.00043%); highest among the groups gnomAD compares: Non-Finnish European, 0.00059%; no homozygotes.

Submissions (3):

Labcorp Genetics (formerly Invitae), Labcorp
Classification: Likely benign for Familial cancer of breast. Last evaluated: 2024-08-04. Review status: criteria provided, single submitter. Criteria: Invitae Variant Classification Sherloc (09022015). Collection method: clinical testing. Allele origin: germline.

Myriad Genetics, Inc.
Classification: Benign for Familial cancer of breast. Last evaluated: 2024-07-25. Review status: criteria provided, single submitter. Criteria: Myriad Autosomal Dominant, Autosomal Recessive and X-Linked Classification Criteria (2023). Collection method: clinical testing. Allele origin: unknown.
Comment: This variant is considered benign. This variant is a silent/synonymous amino acid change and it is not expected to impact splicing.

Ambry Genetics
Classification: Likely benign for Hereditary cancer-predisposing syndrome. Last evaluated: 2019-03-21. Review status: criteria provided, single submitter. Criteria: Ambry Variant Classification Scheme 2023. Collection method: clinical testing. Allele origin: germline.

NM_000465.4(BARD1):c.1434A>G (p.Glu478=)

Gene: BARD1 (BRCA1 associated RING domain 1; minus strand). Cytogenetic location: 2q35.
Variant type: single nucleotide variant.
Coding change: c.1434A>G on transcript NM_000465.4 (MANE Select); coding-DNA position 1434, A replaced by G.
Protein change: p.Glu478=; no amino-acid change (glutamic acid 478 retained).
Molecular consequence: synonymous variant. On other transcripts: non-coding transcript variant (3), intron variant (3).
Genome position (GRCh38, 1-based): chr2:214,767,616, T>C on the plus strand (A>G on the coding strand, the complement: BARD1 is on the minus strand). VCF-style: chr2-214767616-T-C. GRCh37 (hg19) VCF-style: chr2-215632340-T-C.
Other names: c.1377A>G, p.Glu459= (NM_001282543.2); c.159-15061A>G (NM_001282548.2); c.216-15061A>G (NM_001282545.2); c.364+24681A>G (NM_001282549.2).
Identifiers: ClinVar variation 819204 (VCV000819204.7), dbSNP rs1574788954, ClinGen allele CA431129719.
Genomic context (GRCh38, chr2:214,767,616, plus strand): 5'-AAGTGGTGAGTCATTTTGATACCCGGTGGTGTTCACCAATGCCTTATGCTGGAGCAATAA[T>C]TCCACTACCTTCAGGTGCCCATGATTGCAAGCTTCATGCTAATTAAATTTTTTGAAAAAG-3'
Protein context (NP_000456.2, residues 468-488): ACNHGHLKVV[Glu478=]LLLQHKALVN